The following is an entry in ClinVar:

NM_014989.7(RIMS1):c.3739A>G (p.Met1247Val)

Gene: RIMS1 (regulating synaptic membrane exocytosis 1; plus strand). Cytogenetic location: 6q13.
Variant type: single nucleotide variant.
Coding change: c.3739A>G on transcript NM_014989.7 (MANE Select); coding-DNA position 3739, A replaced by G.
Protein change: p.Met1247Val; replaces methionine 1247 with valine.
Molecular consequence: missense variant.
Genome position (GRCh38, 1-based): chr6:72,291,935, A>G. VCF-style: chr6-72291935-A-G. GRCh37 (hg19) VCF-style: chr6-73001638-A-G.
Other names: c.1699A>G, p.Met567Val (NM_001168407.2, NM_001350422.2); c.1630A>G, p.Met544Val (NM_001168408.2, NM_001350414.2, NM_001350430.2 and 2 more transcripts); c.1459A>G, p.Met487Val (NM_001168409.2, NM_001350469.2); c.1657A>G, p.Met553Val (NM_001168410.2); c.1783A>G, p.Met595Val (NM_001350415.2, NM_001350445.2); c.1702A>G, p.Met568Val (NM_001350416.2, NM_001350417.2, NM_001350448.2); c.1705A>G, p.Met569Val (NM_001350418.2); c.1474A>G, p.Met492Val (NM_001350419.2, NM_001350423.2, NM_001350444.2); and 31 more; short protein forms M1247V, M411V, M436V, M462V, M463V, M478V, M486V, M487V.
Identifiers: ClinVar variation 4810005 (VCV004810005.1).

ClinVar aggregate classification (germline): Uncertain significance (1 of 4 stars; one submission).

Submission:

Labcorp Genetics (formerly Invitae), Labcorp
Classification: Uncertain significance. Last evaluated: 2025-05-19. Review status: criteria provided, single submitter. Criteria: Invitae Variant Classification Sherloc (09022015). Collection method: clinical testing. Allele origin: germline.
Comment: This sequence change replaces methionine, which is neutral and non-polar, with valine, which is neutral and non-polar, at codon 1247 of the RIMS1 protein (p.Met1247Val). This variant is not present in population databases (gnomAD no frequency). This variant has not been reported in the literature in individuals affected with RIMS1-related conditions. An algorithm developed to predict the effect of missense changes on protein structure and function outputs the following: PolyPhen-2: "Benign". The valine amino acid residue is found in multiple mammalian species, which suggests that this missense change does not adversely affect protein function. In summary, the available evidence is currently insufficient to determine the role of this variant in disease. Therefore, it has been classified as a Variant of Uncertain Significance.